The following is an entry in ClinVar:

ClinVar aggregate classification (germline): Uncertain significance (1 of 4 stars; one submission).

Conditions:
Inborn genetic diseases. Identifiers: MedGen C0950123, MeSH D030342.

Submission:

Ambry Genetics
Classification: Uncertain significance for Inborn genetic diseases. Last evaluated: 2025-12-07. Review status: criteria provided, single submitter. Criteria: Ambry Variant Classification Scheme 2023. Collection method: clinical testing. Allele origin: germline.
Comment: The p.A889G variant (also known as c.2666C>G), located in coding exon 28 of the FANCA gene, results from a C to G substitution at nucleotide position 2666. The alanine at codon 889 is replaced by glycine, an amino acid with similar properties. This amino acid position is conserved. In addition, this alteration is predicted to be tolerated by in silico analysis. Based on the available evidence, the clinical significance of this variant remains unclear.

NM_000135.4(FANCA):c.2666C>G (p.Ala889Gly)

Genes: FANCA (FA complementation group A; minus strand), LOC130059837 (ATAC-STARR-seq lymphoblastoid active region 11420; plus strand). Cytogenetic location: 16q24.3.
Variant type: single nucleotide variant.
Coding change: c.2666C>G on transcript NM_000135.4 (MANE Select); coding-DNA position 2666, C replaced by G.
Protein change: p.Ala889Gly; replaces alanine 889 with glycine.
Molecular consequence: missense variant.
Genome position (GRCh38, 1-based): chr16:89,765,002, G>C on the plus strand (C>G on the coding strand, the complement: FANCA is on the minus strand). VCF-style: chr16-89765002-G-C. GRCh37 (hg19) VCF-style: chr16-89831410-G-C.
Other names: c.2666C>G, p.Ala889Gly (NM_001286167.3); short protein forms A889G.
Identifiers: ClinVar variation 4619305 (VCV004619305.1).